The following is an entry in ClinVar:

ClinVar aggregate classification (germline): Uncertain significance. Review status: criteria provided, multiple submitters, no conflicts (2 of 4 stars). 5 submissions from 5 submitters: Uncertain significance (5). Last evaluated 2025-08-28.

Conditions:
Hereditary nonpolyposis colorectal neoplasms. Identifiers: MedGen C0009405, MeSH D003123.
Hereditary cancer-predisposing syndrome. Also called: Neoplastic Syndromes, Hereditary; Hereditary Cancer Syndrome; Tumor predisposition; Hereditary neoplastic syndrome. Identifiers: Orphanet 140162, MedGen C0027672, MeSH D009386, MONDO:0015356.

Submissions (5):

Color Diagnostics, LLC DBA Color Health
Classification: Uncertain significance for Hereditary cancer-predisposing syndrome. Last evaluated: 2025-08-28. Review status: criteria provided, single submitter. Criteria: ACMG Guidelines, 2015. Collection method: clinical testing. Allele origin: germline.
Comment: This missense variant replaces proline with alanine at codon 1278 of the MSH6 protein. Computational prediction is inconclusive regarding the impact of this variant on protein structure and function. To our knowledge, functional studies have not been reported for this variant. This variant has not been reported in individuals affected with MSH6-related disorders in the literature. This variant has not been identified in the general population by the Genome Aggregation Database (gnomAD). The available evidence is insufficient to determine the role of this variant in disease conclusively. Therefore, this variant is classified as a Variant of Uncertain Significance.

Molecular Diagnostics Laboratory, Catalan Institute of Oncology
Classification: Uncertain significance for Hereditary cancer-predisposing syndrome. Last evaluated: 2024-10-09. Review status: criteria provided, single submitter. Criteria: MMR VCEP Paper Draft V3.1. Collection method: clinical testing. Allele origin: germline.
Comment: PM2_Supporting, BP4 c.3832C>G located in exon 9 of the MSH6 gene, is predicted to result in the substitution of proline by alanine at codon 1278, p.(Pro1278Ala).It is not present in the population database gnomAD v2.1.1, non-cancer dataset (PM2_Supporting). Computational tools for this variant suggests no significant impact on splicing and does not affect the protein function (MAPP+PolyPhen-2 prior probability for pathogenicity: 0.02)(BP4). To our knowledge, neither clinical data nor functional studies have been reported for this variant. In addition, the variant has been reported in the ClinVar database (3x uncertain significance) but it has not been identified neither LOVD nor InSiGHT databases. Based on currently available information, the variant c.3832C>G is classified as an uncertain significance variant according to ACMG guidelines.

Ambry Genetics
Classification: Uncertain significance for Hereditary cancer-predisposing syndrome. Last evaluated: 2020-09-03. Review status: criteria provided, single submitter. Criteria: Ambry Variant Classification Scheme 2023. Collection method: clinical testing. Allele origin: germline.
Comment: The p.P1278A variant (also known as c.3832C>G), located in coding exon 9 of the MSH6 gene, results from a C to G substitution at nucleotide position 3832. The proline at codon 1278 is replaced by alanine, an amino acid with highly similar properties. This amino acid position is highly conserved in available vertebrate species. In addition, this alteration is predicted to be deleterious by in silico analysis. Since supporting evidence is limited at this time, the clinical significance of this alteration remains unclear.

Labcorp Genetics (formerly Invitae), Labcorp
Classification: Uncertain significance for Hereditary nonpolyposis colorectal neoplasms. Last evaluated: 2019-03-22. Review status: criteria provided, single submitter. Criteria: Invitae Variant Classification Sherloc (09022015). Collection method: clinical testing. Allele origin: germline.
Comment: In summary, the available evidence is currently insufficient to determine the role of this variant in disease. Therefore, it has been classified as a Variant of Uncertain Significance. Algorithms developed to predict the effect of missense changes on protein structure and function are either unavailable or do not agree on the potential impact of this missense change (SIFT: "Tolerated"; PolyPhen-2: "Probably Damaging"; Align-GVGD: "Class C0"). This variant has not been reported in the literature in individuals with MSH6-related conditions. ClinVar contains an entry for this variant (Variation ID: 584537). This variant is not present in population databases (ExAC no frequency). This sequence change replaces proline with alanine at codon 1278 of the MSH6 protein (p.Pro1278Ala). The proline residue is highly conserved and there is a small physicochemical difference between proline and alanine.

GeneKor MSA
Classification: Uncertain significance for Hereditary cancer-predisposing syndrome. Last evaluated: 2018-08-01. Review status: criteria provided, single submitter. Criteria: ACMG Guidelines, 2015. Collection method: clinical testing. Allele origin: germline. Affected: yes.

NM_000179.3(MSH6):c.3832C>G (p.Pro1278Ala)

Gene: MSH6 (mutS homolog 6; plus strand). Cytogenetic location: 2p16.3.
Variant type: single nucleotide variant.
Coding change: c.3832C>G on transcript NM_000179.3 (MANE Select); coding-DNA position 3832, C replaced by G.
Protein change: p.Pro1278Ala; replaces proline 1278 with alanine.
Molecular consequence: missense variant.
Genome position (GRCh38, 1-based): chr2:47,806,482, C>G. VCF-style: chr2-47806482-C-G. GRCh37 (hg19) VCF-style: chr2-48033621-C-G.
Other names: c.3442C>G, p.Pro1148Ala (NM_001281492.2); c.2926C>G, p.Pro976Ala (NM_001281493.2, NM_001281494.2); short protein forms P1278A, P976A, P1148A.
Identifiers: ClinVar variation 584537 (VCV000584537.15), dbSNP rs587782109, ClinGen allele CA346761277.